The following is an entry in ClinVar:

NM_000465.4(BARD1):c.345A>G (p.Leu115=)

Gene: BARD1 (BRCA1 associated RING domain 1; minus strand). Cytogenetic location: 2q35.
Variant type: single nucleotide variant.
Coding change: c.345A>G on transcript NM_000465.4 (MANE Select); coding-DNA position 345, A replaced by G.
Protein change: p.Leu115=; no amino-acid change (leucine 115 retained).
Molecular consequence: synonymous variant. On other transcripts: non-coding transcript variant (1), intron variant (2).
Genome position (GRCh38, 1-based): chr2:214,792,316, T>C on the plus strand (A>G on the coding strand, the complement: BARD1 is on the minus strand). VCF-style: chr2-214792316-T-C. GRCh37 (hg19) VCF-style: chr2-215657040-T-C.
Other names: c.288A>G, p.Leu96= (NM_001282543.2); c.345A>G, p.Leu115= (NM_001282549.2); c.158+17096A>G (NM_001282548.2); c.215+4745A>G (NM_001282545.2).
Identifiers: ClinVar variation 237835 (VCV000237835.21), dbSNP rs771012953, ClinGen allele CA2090452.

ClinVar aggregate classification (germline): Benign/Likely benign. Review status: criteria provided, multiple submitters, no conflicts (2 of 4 stars). 5 submissions from 5 submitters: Benign (1); Likely benign (4). Last evaluated 2025-10-07.

Conditions:
Hereditary cancer-predisposing syndrome. Also called: Neoplastic Syndromes, Hereditary; Hereditary neoplastic syndrome; Tumor predisposition; Hereditary Cancer Syndrome. Identifiers: Orphanet 140162, MedGen C0027672, MeSH D009386, MONDO:0015356.
Familial cancer of breast. Also called: BREAST CANCER, FAMILIAL; hereditary breast carcinoma; Hereditary breast cancer. Identifiers: Orphanet 227535, MedGen C0346153, MONDO:0016419, OMIM 114480. Disease mechanism: loss of function.

Allele frequency attached by ClinVar (database versions not stated): gnomAD exomes below 0.00001; TOPMed below 0.00001; ExAC 0.00001.
gnomAD v4.1: 4 of 1,613,556 alleles (0.00025%); highest among the groups gnomAD compares: Non-Finnish European, 0.00025%; no homozygotes.

Submissions (5):

Labcorp Genetics (formerly Invitae), Labcorp
Classification: Likely benign for Familial cancer of breast. Last evaluated: 2025-10-07. Review status: criteria provided, single submitter. Criteria: Invitae Variant Classification Sherloc (09022015). Collection method: clinical testing. Allele origin: germline.

Myriad Genetics, Inc.
Classification: Benign for Familial cancer of breast. Last evaluated: 2024-07-19. Review status: criteria provided, single submitter. Criteria: Myriad Autosomal Dominant, Autosomal Recessive and X-Linked Classification Criteria (2023). Collection method: clinical testing. Allele origin: unknown.
Comment: This variant is considered benign. This variant is a silent/synonymous amino acid change and it is not expected to impact splicing.

Color Diagnostics, LLC DBA Color Health
Classification: Likely benign for Hereditary cancer-predisposing syndrome. Last evaluated: 2020-06-08. Review status: criteria provided, single submitter. Criteria: ACMG Guidelines, 2015. Collection method: clinical testing. Allele origin: germline.

Quest Diagnostics Nichols Institute San Juan Capistrano
Classification: Likely benign. Last evaluated: 2017-06-26. Review status: criteria provided, single submitter. Criteria: Quest Diagnostics criteria. Collection method: clinical testing. Allele origin: germline.

Ambry Genetics
Classification: Likely benign for Hereditary cancer-predisposing syndrome. Last evaluated: 2016-09-08. Review status: criteria provided, single submitter. Criteria: Ambry Variant Classification Scheme 2023. Collection method: clinical testing. Allele origin: germline.